The following is an entry in ClinVar:

NM_004431.5(EPHA2):c.*297G>A

Gene: EPHA2 (EPH receptor A2; minus strand). Cytogenetic location: 1p36.13.
Variant type: single nucleotide variant.
Coding change: c.*297G>A on transcript NM_004431.5 (MANE Select); 297 bases downstream of the stop codon, G replaced by A.
Molecular consequence: 3 prime UTR variant.
Genome position (GRCh38, 1-based): chr1:16,124,918, C>T on the plus strand (G>A on the coding strand, the complement: EPHA2 is on the minus strand). VCF-style: chr1-16124918-C-T. GRCh37 (hg19) VCF-style: chr1-16451413-C-T.
Other names: c.*297G>A (NM_001329090.2).
Identifiers: ClinVar variation 293400 (VCV000293400.8), dbSNP rs1803527, ClinGen allele CA10608561.
Genomic context (GRCh38, chr1:16,124,918, plus strand): 5'-CATCTCCTGAGATGGCCTCATGTGGGAGAAGGCGGAGGGAAGGTCGGCTTGGGAATATCC[C>T]ATATGTCTGTCCGAAGGCTGTGGCGGGGCTCCTGCTCCAGGGATGCTGGGACGTGGCGGT-3'

ClinVar aggregate classification (germline): Benign. Review status: criteria provided, multiple submitters, no conflicts (2 of 4 stars). 3 submissions from 3 submitters: Benign (3). Last evaluated 2018-06-29.

Conditions:
Cataract 6 multiple types. Also called: CATARACT, AGE-RELATED CORTICAL, 2; CATARACT 6, POSTERIOR POLAR; CATARACT 6, CONGENITAL TOTAL. Identifiers: Orphanet 91492, MedGen C1861825, MONDO:0007288, OMIM 116600.

Allele frequency attached by ClinVar (database versions not stated): TOPMed 0.93900; gnomAD exomes 0.94751; 1000 Genomes Project 30x 0.90928; 1000 Genomes Project 0.90575; gnomAD 0.94088 and 0.94295.
gnomAD v4.1: 397,456 of 420,494 alleles (95%); highest among the groups gnomAD compares: Non-Finnish European, 96%; 188,147 homozygotes.

Submissions (3):

GeneDx
Classification: Benign. Last evaluated: 2018-06-29. Review status: criteria provided, single submitter. Criteria: GeneDx Variant Classification Process June 2021. Collection method: clinical testing. Allele origin: germline. Affected: yes.

Illumina Laboratory Services, Illumina
Classification: Benign for Cataract 6 multiple types. Last evaluated: 2018-01-13. Review status: criteria provided, single submitter. Criteria: ICSL Variant Classification Criteria 13 December 2019. Collection method: clinical testing. Allele origin: germline.
Comment: This variant was observed in the ICSL laboratory as part of a predisposition screen in an ostensibly healthy population. It had not been previously curated by ICSL or reported in the Human Gene Mutation Database (HGMD: prior to June 1st, 2018), and was therefore a candidate for classification through an automated scoring system. Utilizing variant allele frequency, disease prevalence and penetrance estimates, and inheritance mode, an automated score was calculated to assess if this variant is too frequent to cause the disease. Based on the score and internal cut-off values, a variant classified as benign is not then subjected to further curation. The score for this variant resulted in a classification of benign for this disease.

Breakthrough Genomics
Classification: Benign. Review status: criteria provided, single submitter. Criteria: ACMG Guidelines, 2015. Collection method: not provided. Allele origin: germline. Inheritance: Autosomal dominant inheritance. Affected: yes.